The following is an entry in ClinVar:

ClinVar aggregate classification (germline): Benign/Likely benign. Review status: criteria provided, multiple submitters, no conflicts (2 of 4 stars). 4 submissions from 4 submitters: Benign (1); Likely benign (3). Last evaluated 2026-03-01.

Conditions:
Spastic paraplegia. Identifiers: MedGen C0037772, HP:0001258.

Allele frequency attached by ClinVar (database versions not stated): gnomAD exomes 0.00034 and 0.00098; ExAC 0.00101; gnomAD 0.00389 and 0.00412; TOPMed 0.00411; 1000 Genomes Project 30x 0.00422; ESP Exome Variant Server 0.00431; 1000 Genomes Project 0.00459.
gnomAD v4.1: 1,110 of 1,613,716 alleles (0.069%); highest among the groups gnomAD compares: African/African-American, 1.3%; 4 homozygotes.

Submissions (4):

CeGaT Center for Human Genetics Tuebingen
Classification: Likely benign. Last evaluated: 2026-03-01. Review status: criteria provided, single submitter. Criteria: CeGaT Center For Human Genetics Tuebingen Variant Classification Criteria Version 2. Collection method: clinical testing. Allele origin: germline. Affected: yes. Observed: 3 variant alleles.
Comment: ERLIN2: BP4, BP7, BS1

Labcorp Genetics (formerly Invitae), Labcorp
Classification: Benign for Spastic paraplegia. Last evaluated: 2025-12-22. Review status: criteria provided, single submitter. Criteria: Invitae Variant Classification Sherloc (09022015). Collection method: clinical testing. Allele origin: germline.

GeneDx
Classification: Likely benign. Last evaluated: 2021-10-22. Review status: criteria provided, single submitter. Criteria: GeneDx Variant Classification Process June 2021. Collection method: clinical testing. Allele origin: germline. Affected: yes.

Breakthrough Genomics
Classification: Likely benign. Review status: criteria provided, single submitter. Criteria: ACMG Guidelines, 2015. Collection method: not provided. Allele origin: germline. Inheritance: Autosomal recessive inheritance. Affected: yes.

NM_007175.8(ERLIN2):c.816T>C (p.Asn272=)

Gene: ERLIN2 (ER lipid raft associated 2; plus strand). Cytogenetic location: 8p11.23.
Variant type: single nucleotide variant.
Coding change: c.816T>C on transcript NM_007175.8 (MANE Select); coding-DNA position 816, T replaced by C.
Protein change: p.Asn272=; no amino-acid change (asparagine 272 retained).
Molecular consequence: synonymous variant.
Genome position (GRCh38, 1-based): chr8:37,753,526, T>C. VCF-style: chr8-37753526-T-C. GRCh37 (hg19) VCF-style: chr8-37611044-T-C.
Other names: c.816T>C, p.Asn272= (NM_001362878.2).
Identifiers: ClinVar variation 458245 (VCV000458245.20), dbSNP rs142722211, ClinGen allele CA4711004.